The following is an entry in ClinVar:

NM_001267550.2(TTN):c.74513G>C (p.Gly24838Ala)

Genes: TTN (titin; minus strand), TTN-AS1 (TTN antisense RNA 1; plus strand). Cytogenetic location: 2q31.2.
Variant type: single nucleotide variant.
Coding change: c.74513G>C on transcript NM_001267550.2 (MANE Select); coding-DNA position 74513, G replaced by C.
Protein change: p.Gly24838Ala; replaces glycine 24838 with alanine.
Molecular consequence: missense variant.
Genome position (GRCh38, 1-based): chr2:178,571,619, C>G on the plus strand (G>C on the coding strand, the complement: TTN is on the minus strand). VCF-style: chr2-178571619-C-G. GRCh37 (hg19) VCF-style: chr2-179436346-C-G.
Other names: p.G23197A:GGA>GCA; p.Gly22270Ala; c.69590G>C, p.Gly23197Ala (NM_001256850.1); c.47318G>C, p.Gly15773Ala (NM_003319.4); c.66809G>C, p.Gly22270Ala (NM_133378.4); c.47693G>C, p.Gly15898Ala (NM_133432.3); c.47894G>C, p.Gly15965Ala (NM_133437.4); short protein forms G23197A, G24838A, G22270A, G15898A, G15965A, G15773A.
Identifiers: ClinVar variation 202326 (VCV000202326.33), dbSNP rs200723435, ClinGen allele CA309094.

ClinVar aggregate classification (germline): Conflicting classifications of pathogenicity. Review status: criteria provided, conflicting classifications (1 of 4 stars). 8 submissions from 8 submitters: Uncertain significance (6); Likely benign (2). Last evaluated 2026-07-20.

Conditions:
TTN-related disorder. Also called: TTN-related disorders; TTN-related condition; TTN-related disease.
Cardiovascular phenotype. Identifiers: MedGen CN230736.
Dilated cardiomyopathy 1G (CMD1G). Identifiers: Orphanet 154, MedGen C1858763, MONDO:0011400, OMIM 604145.
Autosomal recessive limb-girdle muscular dystrophy type 2J (LGMDR10). Also called: MUSCULAR DYSTROPHY, LIMB-GIRDLE, AUTOSOMAL RECESSIVE 10; Limb-girdle muscular dystrophy, type 2J. Identifiers: Orphanet 140922, MedGen C1837342, MONDO:0012127, OMIM 608807.

Allele frequency attached by ClinVar (database versions not stated): gnomAD 0.00004 and 0.00003; TOPMed 0.00004; gnomAD exomes 0.00001 and 0.00003; ESP Exome Variant Server 0.00017; ExAC 0.00003.
gnomAD v4.1: 53 of 1,613,148 alleles (0.0033%); highest among the groups gnomAD compares: Non-Finnish European, 0.0043%; no homozygotes.

Submissions (8):

PreventionGenetics, part of Exact Sciences
Classification: Uncertain significance for TTN-related condition. Last evaluated: 2026-07-20. Review status: criteria provided, single submitter. Criteria: ACMG Guidelines, 2015. Collection method: clinical testing. Allele origin: germline.
Comment: The TTN c.74513G>C variant is predicted to result in the amino acid substitution p.Gly24838Ala. To our knowledge, this variant has not been reported in the literature. This variant is reported in 0.0029% of alleles in individuals of Latino descent in gnomAD. At this time, the clinical significance of this variant is uncertain due to the absence of conclusive functional and genetic evidence.

Mayo Clinic Laboratories, Mayo Clinic
Classification: Uncertain significance. Last evaluated: 2025-06-09. Review status: criteria provided, single submitter. Criteria: ACMG Guidelines, 2015. Collection method: clinical testing. Allele origin: germline. Observed: 1 variant allele.
Comment: PM2_supporting

Molecular Diagnostic Laboratory for Inherited Cardiovascular Disease, Montreal Heart Institute
Classification: Likely benign. Last evaluated: 2025-04-09. Review status: criteria provided, single submitter. Criteria: ACMG Guidelines, 2015. Collection method: clinical testing. Allele origin: germline. Affected: no.

CeGaT Center for Human Genetics Tuebingen
Classification: Uncertain significance. Last evaluated: 2024-02-01. Review status: criteria provided, single submitter. Criteria: CeGaT Center For Human Genetics Tuebingen Variant Classification Criteria Version 2. Collection method: clinical testing. Allele origin: germline. Affected: yes. Observed: 1 variant allele.
Comment: TTN: PM2

Ambry Genetics
Classification: Uncertain significance for Cardiovascular phenotype. Last evaluated: 2020-08-18. Review status: criteria provided, single submitter. Criteria: Ambry Variant Classification Scheme 2023. Collection method: clinical testing. Allele origin: germline.
Comment: The p.G15773A variant (also known as c.47318G>C), located in coding exon 153 of the TTN gene, results from a G to C substitution at nucleotide position 47318. The glycine at codon 15773 is replaced by alanine, an amino acid with similar properties. This amino acid position is highly conserved in available vertebrate species. In addition, this alteration is predicted to be tolerated by in silico analysis. Since supporting evidence is limited at this time, the clinical significance of this alteration remains unclear.

Labcorp Genetics (formerly Invitae), Labcorp
Classification: Uncertain significance for Dilated cardiomyopathy 1G; Autosomal recessive limb-girdle muscular dystrophy type 2J. Last evaluated: 2017-11-10. Review status: criteria provided, single submitter. Criteria: Invitae Variant Classification Sherloc (09022015). Collection method: clinical testing. Allele origin: germline.

Eurofins Ntd Llc (ga)
Classification: Uncertain significance. Last evaluated: 2016-11-29. Review status: criteria provided, single submitter. Criteria: EGL Classification Definitions 2015. Collection method: clinical testing. Allele origin: germline. Observed: 1 variant allele, 1 heterozygote.

GeneDx
Classification: Likely benign. Last evaluated: 2012-11-16. Review status: criteria provided, single submitter. Criteria: GeneDx Variant Classification (06012015). Collection method: clinical testing. Allele origin: germline. Affected: yes.
Comment: This variant is considered likely benign or benign based on one or more of the following criteria: it is a conservative change, it occurs at a poorly conserved position in the protein, it is predicted to be benign by multiple in silico algorithms, and/or has population frequency not consistent with disease.